The following is an entry in ClinVar:

NM_000037.4(ANK1):c.4925A>G (p.Glu1642Gly)

Gene: ANK1 (ankyrin 1; minus strand). Cytogenetic location: 8p11.21.
Variant type: single nucleotide variant.
Coding change: c.4925A>G on transcript NM_000037.4 (MANE Select); coding-DNA position 4925, A replaced by G.
Protein change: p.Glu1642Gly; replaces glutamic acid 1642 with glycine.
Molecular consequence: missense variant. On other transcripts: intron variant (1).
Genome position (GRCh38, 1-based): chr8:41,672,525, T>C on the plus strand (A>G on the coding strand, the complement: ANK1 is on the minus strand). VCF-style: chr8-41672525-T-C. GRCh37 (hg19) VCF-style: chr8-41530043-T-C.
Other names: c.5048A>G, p.Glu1683Gly (NM_001142446.2); c.4925A>G, p.Glu1642Gly (NM_020475.3, NM_020476.3); c.4538-99A>G (NM_020477.3); short protein forms E1642G, E1683G.
Identifiers: ClinVar variation 4995055 (VCV004995055.1).

ClinVar aggregate classification (germline): Uncertain significance (1 of 4 stars; one submission).

Conditions:
ANK1-related disorder. Also called: ANK1-related condition.

Submission:

PreventionGenetics, part of Exact Sciences
Classification: Uncertain significance for ANK1-related condition. Last evaluated: 2026-01-06. Review status: criteria provided, single submitter. Criteria: ACMG Guidelines, 2015. Collection method: clinical testing. Allele origin: germline.
Comment: The ANK1 c.4925A>G variant is predicted to result in the amino acid substitution p.Glu1642Gly. To our knowledge, this variant has not been reported in the literature or in a large population database (gnomAD), indicating this variant is rare. At this time, the clinical significance of this variant is uncertain due to the absence of conclusive functional and genetic evidence.